The following is an entry in ClinVar:

ClinVar aggregate classification (germline): Likely pathogenic (1 of 4 stars; one submission).

Conditions:
FGFR1-related disorder. Also called: FGFR1-related disorders; FGFR1-related condition. Identifiers: MedGen CN380097.

Submission:

PreventionGenetics, part of Exact Sciences
Classification: Likely pathogenic for FGFR1-related condition. Last evaluated: 2025-09-16. Review status: criteria provided, single submitter. Criteria: ACMG Guidelines, 2015. Collection method: clinical testing. Allele origin: germline.
Comment: The FGFR1 c.1829_1851del23 variant is predicted to result in a frameshift and premature protein termination (p.Gly610Glufs*38). To our knowledge, this variant has not been reported in the literature or in a large population database (gnomAD), indicating this variant is rare. Frameshift variants in FGFR1 are expected to be pathogenic. This variant is interpreted as likely pathogenic.

NM_023110.3(FGFR1):c.1829_1851del (p.Gly610fs)

Gene: FGFR1 (fibroblast growth factor receptor 1; minus strand). Cytogenetic location: 8p11.23.
Variant type: Deletion.
Coding change: c.1829_1851del on transcript NM_023110.3 (MANE Select); coding-DNA positions 1829 to 1851, 23 bases deleted (GCATGGAGTATCTGGCCTCCAAG).
Protein change: p.Gly610fs; shifts the reading frame from glycine 610.
Molecular consequence: frameshift variant.
Genome position (GRCh38, 1-based): chr8:38,415,873-38,415,895, CTTGGAGGCCAGATACTCCATGC deleted on the plus strand (GCATGGAGTATCTGGCCTCCAAG on the coding strand, the reverse complement: FGFR1 is on the minus strand); deleting any 23 consecutive bases within chr8:38,415,873-38,415,897 gives the same sequence; the c. name uses the placement nearest the transcript's 3' end. VCF-style (leftmost placement, unchanged base first): chr8-38415872-TCTTGGAGGCCAGATACTCCATGC-T. GRCh37 (hg19) VCF-style: chr8-38273390-TCTTGGAGGCCAGATACTCCATGC-T.
Other names: c.1829_1851del23 (NM_023110.2); c.1823_1845del, p.Gly608fs (NM_001174063.2, NM_001174065.2, NM_001354367.2 and 1 more transcripts); c.1799_1821del, p.Gly600fs (NM_001174064.2); c.1562_1584del, p.Gly521fs (NM_001174066.2, NM_023105.3); c.1922_1944del, p.Gly641fs (NM_001174067.2); c.1550_1572del, p.Gly517fs (NM_001354368.2); c.1817_1839del, p.Gly606fs (NM_001354369.2, NM_001410922.1); c.1556_1578del, p.Gly519fs (NM_001354370.2, NM_023106.3); short protein forms G519fs, G521fs, G606fs, G610fs, G641fs, G517fs, G600fs, G608fs.
Identifiers: ClinVar variation 4991884 (VCV004991884.1).